The following is an entry in ClinVar:

ClinVar aggregate classification (germline): Uncertain significance (1 of 4 stars; one submission).

Conditions:
Sphingolipid activator protein 1 deficiency. Also called: METACHROMATIC LEUKODYSTROPHY DUE TO CEREBROSIDE SULFATASE ACTIVATOR DEFICIENCY; Saposin B Deficiency; Metachromatic leukodystrophy due to saposin B deficiency. Identifiers: Orphanet 512, MedGen C0268262, MONDO:0009590, OMIM 249900.

Submission:

Labcorp Genetics (formerly Invitae), Labcorp
Classification: Uncertain significance for Sphingolipid activator protein 1 deficiency. Last evaluated: 2024-10-25. Review status: criteria provided, single submitter. Criteria: Invitae Variant Classification Sherloc (09022015). Collection method: clinical testing. Allele origin: germline.
Comment: This sequence change replaces phenylalanine, which is neutral and non-polar, with leucine, which is neutral and non-polar, at codon 5 of the PSAP protein (p.Phe5Leu). This variant is not present in population databases (gnomAD no frequency). This variant has not been reported in the literature in individuals affected with PSAP-related conditions. ClinVar contains an entry for this variant (Variation ID: 1427570). Invitae Evidence Modeling of protein sequence and biophysical properties (such as structural, functional, and spatial information, amino acid conservation, physicochemical variation, residue mobility, and thermodynamic stability) indicates that this missense variant is not expected to disrupt PSAP protein function with a negative predictive value of 95%. In summary, the available evidence is currently insufficient to determine the role of this variant in disease. Therefore, it has been classified as a Variant of Uncertain Significance.

NM_002778.4(PSAP):c.15C>A (p.Phe5Leu)

Gene: PSAP (prosaposin; minus strand). Cytogenetic location: 10q22.1.
Variant type: single nucleotide variant.
Coding change: c.15C>A on transcript NM_002778.4 (MANE Select); coding-DNA position 15, C replaced by A.
Protein change: p.Phe5Leu; replaces phenylalanine 5 with leucine.
Molecular consequence: missense variant.
Genome position (GRCh38, 1-based): chr10:71,851,207, G>T on the plus strand (C>A on the coding strand, the complement: PSAP is on the minus strand). VCF-style: chr10-71851207-G-T. GRCh37 (hg19) VCF-style: chr10-73610964-G-T.
Other names: c.15C>A, p.Phe5Leu (NM_001042465.3, NM_001042466.3); short protein forms F5L.
Identifiers: ClinVar variation 1427570 (VCV001427570.8), dbSNP rs2133075325, ClinGen allele CA377159546.